The following is an entry in ClinVar:

ClinVar aggregate classification (germline): Uncertain significance (1 of 4 stars; one submission).

gnomAD v4.1: 63 of 1,613,300 alleles (0.0039%); highest among the groups gnomAD compares: Non-Finnish European, 0.0052%; no homozygotes.

Submission:

Labcorp Genetics (formerly Invitae), Labcorp
Classification: Uncertain significance. Last evaluated: 2024-06-04. Review status: criteria provided, single submitter. Criteria: Invitae Variant Classification Sherloc (09022015). Collection method: clinical testing. Allele origin: germline.
Comment: This sequence change replaces asparagine, which is neutral and polar, with serine, which is neutral and polar, at codon 267 of the ANKRD26 protein (p.Asn267Ser). This variant is present in population databases (rs780890909, gnomAD 0.0009%). This variant has not been reported in the literature in individuals affected with ANKRD26-related conditions. Algorithms developed to predict the effect of missense changes on protein structure and function output the following: SIFT: "Not Available"; PolyPhen-2: "Benign"; Align-GVGD: "Not Available". The serine amino acid residue is found in multiple mammalian species, which suggests that this missense change does not adversely affect protein function. In summary, the available evidence is currently insufficient to determine the role of this variant in disease. Therefore, it has been classified as a Variant of Uncertain Significance.

NM_014915.3(ANKRD26):c.800A>G (p.Asn267Ser)

Gene: ANKRD26 (ankyrin repeat domain 26; minus strand). Cytogenetic location: 10p12.1.
Variant type: single nucleotide variant.
Coding change: c.800A>G on transcript NM_014915.3 (MANE Select); coding-DNA position 800, A replaced by G.
Protein change: p.Asn267Ser; replaces asparagine 267 with serine.
Molecular consequence: missense variant.
Genome position (GRCh38, 1-based): chr10:27,079,102, T>C on the plus strand (A>G on the coding strand, the complement: ANKRD26 is on the minus strand). VCF-style: chr10-27079102-T-C. GRCh37 (hg19) VCF-style: chr10-27368031-T-C.
Other names: c.800A>G, p.Asn267Ser (NM_001256053.2); short protein forms N267S.
Identifiers: ClinVar variation 3636249 (VCV003636249.2).
Genomic context (GRCh38, chr10:27,079,102, plus strand): 5'-AACTAGATTCAGAGTAAGAAAATTAAGTTCATGAGAGAGCACTTTACCTTAGTATCAAAA[T>C]TGAGGTCTTCGTCATCTGAGGTAGGCCATGAATCATCAACACCCGGTTTGCCAGAAAGCC-3'
Protein context (NP_055730.2, residues 257-277): SWPTSDDEDL[Asn267Ser]FDTKNVPKPS